The following is an entry in ClinVar:

NM_007294.4(BRCA1):c.442-3T>A

Gene: BRCA1 (BRCA1 DNA repair associated; minus strand). Cytogenetic location: 17q21.31.
Variant type: single nucleotide variant.
Coding change: c.442-3T>A on transcript NM_007294.4 (MANE Select); 3 bases into the intron before coding-DNA position 442, T replaced by A.
Molecular consequence: intron variant.
Genome position (GRCh38, 1-based): chr17:43,099,883, A>T on the plus strand (T>A on the coding strand, the complement: BRCA1 is on the minus strand). VCF-style: chr17-43099883-A-T. GRCh37 (hg19) VCF-style: chr17-41251900-A-T.
Other names: c.301-3T>A (NM_001408458.1, NM_001407922.1, NM_001408469.1 and 61 more transcripts); c.-218-5023T>A (NM_001407967.1, NM_001407966.1); c.61-3T>A (NM_001407959.1, NM_001408512.1, NM_001408510.1 and 3 more transcripts); c.301-6T>A (NM_001407931.1, NM_001407747.1, NM_001408470.1 and 35 more transcripts); c.61-6T>A (NM_001407962.1); c.232-3T>A (NM_001407885.1, NM_001407886.1, NM_001407881.1 and 37 more transcripts); c.442-6T>A (NM_001407686.1, NM_001408397.1, NM_001407632.1 and 65 more transcripts); c.442-3T>A (NM_001408436.1, NM_001407665.1, NM_001407980.1 and 96 more transcripts); and 5 more.
Identifiers: ClinVar variation 482923 (VCV000482923.10), dbSNP rs8176139, ClinGen allele CA658656654.

ClinVar aggregate classification (germline): Uncertain significance. Review status: criteria provided, multiple submitters, no conflicts (2 of 4 stars). 2 submissions from 2 submitters: Uncertain significance (2). Last evaluated 2026-02-11.

Conditions:
Hereditary cancer-predisposing syndrome. Also called: Tumor predisposition; Hereditary Cancer Syndrome; Neoplastic Syndromes, Hereditary; Hereditary neoplastic syndrome. Identifiers: Orphanet 140162, MedGen C0027672, MeSH D009386, MONDO:0015356.
Hereditary breast ovarian cancer syndrome. Also called: Hereditary breast and/or ovarian cancer syndrome; Hereditary breast and ovarian cancer syndrome; Hereditary breast and ovarian cancer; Hereditary breast and ovarian cancer syndrome (HBOC); Breast and ovarian cancer; BRCA1- and BRCA2-Associated Hereditary Breast and Ovarian Cancer. Identifiers: Orphanet 145, MedGen C0677776, MeSH D061325, MONDO:0003582. Disease mechanism: loss of function.

Submissions (2):

Ambry Genetics
Classification: Uncertain significance for Hereditary cancer-predisposing syndrome. Last evaluated: 2026-02-11. Review status: criteria provided, single submitter. Criteria: Ambry Variant Classification Scheme 2023. Collection method: clinical testing. Allele origin: germline.
Comment: The c.442-3T>A intronic variant results from a T to A substitution 3 nucleotides upstream from coding exon 6 in the BRCA1 gene. This nucleotide position is highly conserved in available vertebrate species. In silico splice site analysis predicts that this alteration may weaken the native splice acceptor site. Based on the available evidence, the clinical significance of this variant remains unclear.

Labcorp Genetics (formerly Invitae), Labcorp
Classification: Uncertain significance for Hereditary breast ovarian cancer syndrome. Last evaluated: 2023-10-13. Review status: criteria provided, single submitter. Criteria: Invitae Variant Classification Sherloc (09022015). Collection method: clinical testing. Allele origin: germline.
Comment: This sequence change falls in intron 6 of the BRCA1 gene. It does not directly change the encoded amino acid sequence of the BRCA1 protein. It affects a nucleotide within the consensus splice site. This variant is not present in population databases (gnomAD no frequency). This variant has not been reported in the literature in individuals affected with BRCA1-related conditions. ClinVar contains an entry for this variant (Variation ID: 482923). Variants that disrupt the consensus splice site are a relatively common cause of aberrant splicing (PMID: 17576681, 9536098). Algorithms developed to predict the effect of sequence changes on RNA splicing suggest that this variant may disrupt the consensus splice site. In summary, the available evidence is currently insufficient to determine the role of this variant in disease. Therefore, it has been classified as a Variant of Uncertain Significance.

Literature cited by the submitters: PubMed 17576681 (cited by Labcorp Genetics (formerly Invitae), Labcorp); PubMed 9536098 (cited by Labcorp Genetics (formerly Invitae), Labcorp).